The following is an entry in ClinVar:

NM_000089.4(COL1A2):c.1522G>A (p.Gly508Ser)

Gene: COL1A2 (collagen type I alpha 2 chain; plus strand). Cytogenetic location: 7q21.3.
Variant type: single nucleotide variant.
Coding change: c.1522G>A on transcript NM_000089.4 (MANE Select); coding-DNA position 1522, G replaced by A.
Protein change: p.Gly508Ser; replaces glycine 508 with serine.
Molecular consequence: missense variant.
Genome position (GRCh38, 1-based): chr7:94,413,101, G>A. VCF-style: chr7-94413101-G-A. GRCh37 (hg19) VCF-style: chr7-94042413-G-A.
Other names: p.Gly508Ser; short protein forms G508S.
Identifiers: ClinVar variation 661936 (VCV000661936.41), dbSNP rs769600024, ClinGen allele CA4347093.
Genomic context (GRCh38, chr7:94,413,101, plus strand): 5'-GTGCAAAGCTGTTCTTTGTTTTGTTTTTCATTTTTACTCTAGGGTGATCCTGGCAAAAAC[G>A]GTGATAAAGGTCATGCTGGTCTTGCTGGTGCTCGGGTAGGTGCTAACTTGTGTACAGATC-3'
Protein context (NP_000080.2, residues 498-518): KGPTGDPGKN[Gly508Ser]DKGHAGLAGA

ClinVar aggregate classification (germline): Conflicting classifications of pathogenicity. Review status: criteria provided, conflicting classifications (1 of 4 stars). 5 submissions from 5 submitters: Pathogenic (2); Likely pathogenic (2); Uncertain significance (1). Last evaluated 2026-03-31.

Conditions:
Osteogenesis imperfecta with normal sclerae, dominant form (OI4). Also called: OSTEOGENESIS IMPERFECTA, TYPE IV, WITH DENTINOGENESIS IMPERFECTA; Osteogenesis Imperfecta Type IV; OSTEOGENESIS IMPERFECTA WITH NORMAL SCLERAE; Osteogenesis imperfecta type 4; Common Variable Osteogenesis Imperfecta with Normal Sclerae. Identifiers: Orphanet 216820, Orphanet 666, MedGen C0268363, MONDO:0008148, OMIM 166220.
Osteogenesis imperfecta type I (OI1). Also called: Lobstein's Disease; Lobstein disease; OI, TYPE I; OSTEOGENESIS IMPERFECTA TARDA; OSTEOGENESIS IMPERFECTA WITH BLUE SCLERAE; Osteogenesis imperfecta type 1. Identifiers: Orphanet 216796, Orphanet 666, MedGen C0023931, MONDO:0008146, OMIM 166200. Disease mechanism: loss of function.
Ehlers-Danlos syndrome, classic type, 1 (EDSCL1). Also called: Ehlers-Danlos syndrome, type 1; Ehlers-Danlos Syndrome, Classic Type, COL5A1-Related; EDS I; EHLERS-DANLOS SYNDROME, GRAVIS TYPE; EHLERS-DANLOS SYNDROME, SEVERE CLASSIC TYPE. Identifiers: MedGen C0268335, MONDO:0019567, OMIM 130000.

Allele frequency attached by ClinVar (database versions not stated): TOPMed below 0.00001; gnomAD 0.00001; gnomAD exomes 0.00001; ExAC 0.00002.
gnomAD v4.1: 16 of 1,614,020 alleles (0.00099%); highest among the groups gnomAD compares: Non-Finnish European, 0.0012%; no homozygotes.

Submissions (5):

GeneDx
Classification: Pathogenic. Last evaluated: 2026-03-31. Review status: criteria provided, single submitter. Criteria: GeneDx Variant Classification Process June 2021. Collection method: clinical testing. Allele origin: germline.
Comment: Occurs in the triple helical domain and replaces a glycine in a canonical Gly-X-Y repeat; missense substitution of a canonical glycine residue is expected to disrupt normal protein folding and function, and this is an established mechanism of disease (PMID: 34007986); Not observed at significant frequency in large population cohorts (gnomAD); In silico analysis supports that this missense variant has a deleterious effect on protein structure/function; Has not been previously published as pathogenic or benign in association with a COL1A2-related disorder to our knowledge; This variant is associated with the following publications: (PMID: 27432884, 31039433, 34007986, 39033325, 30715774)

Labcorp Genetics (formerly Invitae), Labcorp
Classification: Pathogenic for Osteogenesis imperfecta type I; Ehlers-Danlos syndrome, classic type, 1. Last evaluated: 2025-12-10. Review status: criteria provided, single submitter. Criteria: Invitae Variant Classification Sherloc (09022015). Collection method: clinical testing. Allele origin: germline.
Comment: This sequence change replaces glycine, which is neutral and non-polar, with serine, which is neutral and polar, at codon 508 of the COL1A2 protein (p.Gly508Ser). This variant is present in population databases (rs769600024, gnomAD 0.002%). This missense change has been observed in individual(s) with clinical features of autosomal dominant osteogenesis imperfecta (internal data). ClinVar contains an entry for this variant (Variation ID: 661936). Invitae Evidence Modeling of protein sequence and biophysical properties (such as structural, functional, and spatial information, amino acid conservation, physicochemical variation, residue mobility, and thermodynamic stability) indicates that this missense variant is expected to disrupt COL1A2 protein function with a positive predictive value of 95%. This variant disrupts the triple helix domain of COL1A2. Glycine residues within the Gly-Xaa-Yaa repeats of the triple helix domain are required for the structure and stability of fibrillar collagens (PMID: 7695699, 8218237, 19344236). In COL1A2, variants affecting these glycine residues are significantly enriched in individuals with disease (PMID: 9016532, 17078022) compared to the general population (ExAC). This variant disrupts the p.Gly508 amino acid residue in COL1A2. Other variant(s) that disrupt this residue have been observed in individuals with COL1A2-related conditions (PMID: 17078022, 37270749), which suggests that this may be a clinically significant amino acid residue. For these reasons, this variant has been classified as Pathogenic.

Mayo Clinic Laboratories, Mayo Clinic
Classification: Likely pathogenic. Last evaluated: 2025-11-24. Review status: criteria provided, single submitter. Criteria: ACMG Guidelines, 2015. Collection method: clinical testing. Allele origin: germline. Observed: 1 variant allele.
Comment: PP3, PM1_strong, PM2_supporting

Victorian Clinical Genetics Services, Murdoch Childrens Research Institute
Classification: Likely pathogenic for Osteogenesis imperfecta with normal sclerae, dominant form. Last evaluated: 2023-12-21. Review status: criteria provided, single submitter. Criteria: ACMG Guidelines, 2015. Collection method: clinical testing. Allele origin: germline. Inheritance: Autosomal dominant inheritance. Affected: yes.
Comment: Based on the classification scheme VCGS_Germline_v1.3.4, this variant is classified as Likely pathogenic. Following criteria are met: 0103 - Dominant negative and loss of function are known mechanisms of disease in this gene. Heterozygous missense variants causing severe and lethal forms of osteogenesis imperfecta (OI; MIM#166210, #259420, #166220) are due to a dominant negative mechanism, whereas biallelic loss of function variants result in the autosomal recessive form of Ehlers-Danlos syndrome (MIM#225320). The exact mechanism of disease for the autosomal dominant form of Ehlers-Danlos syndrome (MIM#2617821) remains unclear, however variants have been shown to result in whole or partial skipping of exon 6 (PMID: 12362985, 31218159). (I) 0108 - This gene is associated with both recessive and dominant disease. Most phenotypes associated with this gene are autosomal dominant, however the cardiac valvular type of Ehlers-Danlos syndrome (MIM#225320) is recessively inherited (OMIM). (I) 0115 - Variants in this gene are known to have variable expressivity (PMID: 20301472). (I) 0200 - Variant is predicted to result in a missense amino acid change from glycine to serine. (I) 0251 - This variant is heterozygous. (I) 0304 - Variant is present in gnomAD (v2 and v3) <0.01 (3 heterozygotes, 0 homozygotes). (SP) 0501 - Missense variant consistently predicted to be damaging by multiple in silico tools or highly conserved with a major amino acid change. (SP) 0601 - Variant is located in the well-established functional Gly-X-Y motif and affects a glycine residue (DECIPHER). (SP) 0703 - Other missense variants comparable to the one identified in this case have moderate previous evidence for pathogenicity. p.(Gly508Ala) and p.(Gly508Val) have been observed in individuals with type III and type IV OI respectively (PMIDs: 28378289, 37270749). (SP) 0808 - Previous reports of pathogenicity for this variant are conflicting. This variant has been classified as likely pathogenic and as a VUS by clinical laboratories in ClinVar. (I) 0905 - No published segregation evidence has been identified for this variant. (I) Legend: (SP) - Supporting pathogenic, (I) - Information, (SB) - Supporting benign

CeGaT Center for Human Genetics Tuebingen
Classification: Uncertain significance. Last evaluated: 2019-01-01. Review status: criteria provided, single submitter. Criteria: CeGaT Center For Human Genetics Tuebingen Variant Classification Criteria Version 2. Collection method: clinical testing. Allele origin: germline. Affected: yes. Observed: 1 variant allele.

Literature cited by the submitters: PubMed 7695699 (cited by Labcorp Genetics (formerly Invitae), Labcorp); PubMed 8218237 (cited by Labcorp Genetics (formerly Invitae), Labcorp); PubMed 19344236 (cited by Labcorp Genetics (formerly Invitae), Labcorp); PubMed 9016532 (cited by Labcorp Genetics (formerly Invitae), Labcorp); PubMed 17078022 (cited by Labcorp Genetics (formerly Invitae), Labcorp); PubMed 37270749 (cited by 3 submitters); PubMed 28378289 (cited by Mayo Clinic Laboratories, Mayo Clinic and Victorian Clinical Genetics Services, Murdoch Childrens Research Institute); PubMed 12362985 (cited by Victorian Clinical Genetics Services, Murdoch Childrens Research Institute); PubMed 20301472 (cited by Victorian Clinical Genetics Services, Murdoch Childrens Research Institute); PubMed 31218159 (cited by Victorian Clinical Genetics Services, Murdoch Childrens Research Institute).